The following is an entry in ClinVar:

NM_020922.5(WNK3):c.4397_4402delinsAAG (p.Gly1466_Gln1468delinsGluGlu)

Gene: WNK3 (WNK lysine deficient protein kinase 3; minus strand). Cytogenetic location: Xp11.22.
Variant type: Indel.
Coding change: c.4397_4402delinsAAG on transcript NM_020922.5 (MANE Select); coding-DNA positions 4397 to 4402, GGAAAC replaced by AAG.
Protein change: p.Gly1466_Gln1468delinsGluGlu.
Molecular consequence: inframe indel.
Genome position (GRCh38, 1-based): chrX:54,237,164-54,237,169, GTTTCC replaced by CTT on the plus strand (GGAAAC replaced by AAG on the coding strand, the reverse complement: WNK3 is on the minus strand). VCF-style: chrX-54237164-GTTTCC-CTT. GRCh37 (hg19) VCF-style: chrX-54263597-GTTTCC-CTT.
Other names: c.4256_4261delinsAAG, p.Gly1419_Gln1421delinsGluGlu (NM_001002838.4, NM_001395166.1); c.4397_4402delGGAAACinsAAG, p.Gly1466_Gln1468delinsGluGlu (NM_020922.4).
Identifiers: ClinVar variation 3367738 (VCV003367738.2).
Genomic context (GRCh38, chrX:54,237,164, plus strand): 5'-TTGCCACTGACTTTCCACTGCCAGCAAGACTGGCTGAAAATTCACTATCAGAGCTAGGCT[GTTTCC>CTT]CAGCAGTCAATATCTCTCTCTCTTTAAGCAACAGTTCAGATCCAGACTGCATGCTACTTC-3'

ClinVar aggregate classification (germline): Likely pathogenic (1 of 4 stars; one submission).

Submission:

GeneDx
Classification: Likely pathogenic. Last evaluated: 2025-10-07. Review status: criteria provided, single submitter. Criteria: GeneDx Variant Classification Process June 2021. Collection method: clinical testing. Allele origin: germline.
Comment: Not observed at significant frequency in large population cohorts (gnomAD); In-frame deletion of 3 amino acid(s) and insertion of 2 different amino acid(s) in a non-repeat region; In silico analysis suggests that this variant does not alter protein structure/function; Has not been previously published as pathogenic or benign to our knowledge